The following is an entry in ClinVar:

NM_001008537.3(NEXMIF):c.4135A>G (p.Lys1379Glu)

Gene: NEXMIF (neurite extension and migration factor; minus strand). Cytogenetic location: Xq13.3.
Variant type: single nucleotide variant.
Coding change: c.4135A>G on transcript NM_001008537.3 (MANE Select); coding-DNA position 4135, A replaced by G.
Protein change: p.Lys1379Glu; replaces lysine 1379 with glutamic acid.
Molecular consequence: missense variant.
Genome position (GRCh38, 1-based): chrX:74,740,422, T>C on the plus strand (A>G on the coding strand, the complement: NEXMIF is on the minus strand). VCF-style: chrX-74740422-T-C. GRCh37 (hg19) VCF-style: chrX-73960257-T-C.
Other names: short protein forms K1379E.
Identifiers: ClinVar variation 1382776 (VCV001382776.8), dbSNP rs2147438964, ClinGen allele CA413663951.

ClinVar aggregate classification (germline): Uncertain significance (1 of 4 stars; one submission).

Submission:

Labcorp Genetics (formerly Invitae), Labcorp
Classification: Uncertain significance. Last evaluated: 2022-09-27. Review status: criteria provided, single submitter. Criteria: Invitae Variant Classification Sherloc (09022015). Collection method: clinical testing. Allele origin: germline.
Comment: This sequence change replaces lysine, which is basic and polar, with glutamic acid, which is acidic and polar, at codon 1379 of the NEXMIF protein (p.Lys1379Glu). This variant is not present in population databases (gnomAD no frequency). This variant has not been reported in the literature in individuals affected with NEXMIF-related conditions. ClinVar contains an entry for this variant (Variation ID: 1382776). Algorithms developed to predict the effect of missense changes on protein structure and function (SIFT, PolyPhen-2, Align-GVGD) all suggest that this variant is likely to be disruptive. In summary, the available evidence is currently insufficient to determine the role of this variant in disease. Therefore, it has been classified as a Variant of Uncertain Significance.